The following is an entry in ClinVar:

ClinVar aggregate classification (germline): Pathogenic. Review status: criteria provided, multiple submitters, no conflicts (2 of 4 stars). 3 submissions from 3 submitters: Pathogenic (3). Last evaluated 2025-07-19.

Conditions:
NF1-related disorder. Also called: NF1-related condition. Identifiers: MedGen CN379171.
Neurofibromatosis, type 1 (NF1). Also called: Peripheral type neurofibromatosis; VON RECKLINGHAUSEN DISEASE; Neurofibromatosis, type I; NEUROFIBROMATOSIS, TYPE I, SOMATIC. Identifiers: Orphanet 636, MedGen C0027831, MONDO:0018975, OMIM 162200. Disease mechanism: loss of function.

gnomAD v4.1: 1 of 1,614,084 alleles (0.000062%); highest among the groups gnomAD compares: Non-Finnish European, 0.000085%; no homozygotes.

Submissions (3):

Labcorp Genetics (formerly Invitae), Labcorp
Classification: Pathogenic for Neurofibromatosis, type 1. Last evaluated: 2025-07-19. Review status: criteria provided, single submitter. Criteria: Invitae Variant Classification Sherloc (09022015). Collection method: clinical testing. Allele origin: germline.
Comment: This sequence change creates a premature translational stop signal (p.Tyr2171*) in the NF1 gene. It is expected to result in an absent or disrupted protein product. Loss-of-function variants in NF1 are known to be pathogenic (PMID: 10712197, 23913538). This variant is present in population databases (no rsID available, gnomAD 0.0009%). This premature translational stop signal has been observed in individual(s) with neurofibromatosis, type 1 (PMID: 21354044). ClinVar contains an entry for this variant (Variation ID: 851779). For these reasons, this variant has been classified as Pathogenic.

GeneDx
Classification: Pathogenic. Last evaluated: 2025-04-02. Review status: criteria provided, single submitter. Criteria: GeneDx Variant Classification Process June 2021. Collection method: clinical testing. Allele origin: germline. Affected: yes.
Comment: Nonsense variant predicted to result in protein truncation or nonsense mediated decay in a gene for which loss of function is a known mechanism of disease; Published functional studies suggest this variant may increase RAS-GTP/RAS activity (PMID: 25788518); This variant is associated with the following publications: (PMID: 25525159, 37738646, 21354044, 25541118, 25788518)

Blueprint Genetics
Classification: Pathogenic for NF1-related disorders. Last evaluated: 2022-08-04. Review status: criteria provided, single submitter. Criteria: ACMG Guidelines, 2015. Collection method: clinical testing. Allele origin: germline. Affected: yes. Observed: 1 variant allele.

Literature cited by the submitters: PubMed 10712197 (cited by Labcorp Genetics (formerly Invitae), Labcorp); PubMed 23913538 (cited by Labcorp Genetics (formerly Invitae), Labcorp); PubMed 21354044 (cited by Labcorp Genetics (formerly Invitae), Labcorp).

NM_001042492.3(NF1):c.6576T>A (p.Tyr2192Ter)

Gene: NF1 (neurofibromin 1; plus strand). Cytogenetic location: 17q11.2.
Variant type: single nucleotide variant.
Coding change: c.6576T>A on transcript NM_001042492.3 (MANE Select); coding-DNA position 6576, T replaced by A.
Protein change: p.Tyr2192Ter; replaces tyrosine 2192 with a stop codon.
Molecular consequence: nonsense.
Genome position (GRCh38, 1-based): chr17:31,337,516, T>A. VCF-style: chr17-31337516-T-A. GRCh37 (hg19) VCF-style: chr17-29664534-T-A.
Other names: c.6513T>A, p.Tyr2171Ter (NM_000267.4); short protein forms Y2171*, Y2192*.
Identifiers: ClinVar variation 851779 (VCV000851779.8), dbSNP rs758917402, ClinGen allele CA399013311.